The following is an entry in ClinVar:

NM_005559.4(LAMA1):c.1243del (p.His415fs)

Gene: LAMA1 (laminin subunit alpha 1; minus strand). Cytogenetic location: 18p11.31.
Variant type: Deletion.
Coding change: c.1243del on transcript NM_005559.4 (MANE Select); coding-DNA position 1243, one base deleted (C; older notation c.1243delC).
Protein change: p.His415fs; shifts the reading frame from histidine 415.
Molecular consequence: frameshift variant.
Genome position (GRCh38, 1-based): chr18:7,042,163, G deleted on the plus strand (C on the coding strand, the reverse complement: LAMA1 is on the minus strand); the first of 2 consecutive G bases (chr18:7,042,163-7,042,164); deleting either gives the same sequence. VCF-style (leftmost placement, unchanged base first): chr18-7042162-TG-T. GRCh37 (hg19) VCF-style: chr18-7042161-TG-T.
Other names: c.1243delC (NM_005559.3); c.1243del (NM_005559.3); short protein forms H415fs.
Identifiers: ClinVar variation 419085 (VCV000419085.4), dbSNP rs1064793632, ClinGen allele CA16620720.
Genomic context (GRCh38, chr18:7,042,162, plus strand): 5'-ACACAAAATCAATTACAAGCACAAAAGTGAATCAAGTACTTACCATTGTGTAAGTCAGAA[TG>T]GAGGTCATCCTTAATACAGACAGAACTGAGGGACCCCACAGGGTCACAATTACAGGGGCG-3'

ClinVar aggregate classification (germline): Pathogenic/Likely pathogenic. Review status: criteria provided, multiple submitters, no conflicts (2 of 4 stars). 2 submissions from 2 submitters: Pathogenic (1); Likely pathogenic (1). Last evaluated 2025-07-24.

Conditions:
Ataxia - intellectual disability - oculomotor apraxia - cerebellar cysts syndrome. Also called: Poretti-Boltshauser syndrome. Identifiers: Orphanet 370022, MedGen C4014821, MONDO:0014419, OMIM 615960.

Submissions (2):

GeneDx
Classification: Pathogenic. Last evaluated: 2025-07-24. Review status: criteria provided, single submitter. Criteria: GeneDx Variant Classification Process June 2021. Collection method: clinical testing. Allele origin: germline. Affected: yes.
Comment: Frameshift variant predicted to result in protein truncation or nonsense mediated decay in a gene for which loss of function is a known mechanism of disease; Not observed at significant frequency in large population cohorts (gnomAD); This variant is associated with the following publications: (PMID: 30919572, 39925523)

Revvity Omics, Revvity
Classification: Likely pathogenic for Ataxia - intellectual disability - oculomotor apraxia - cerebellar cysts syndrome. Last evaluated: 2024-08-19. Review status: criteria provided, single submitter. Criteria: ACMG Guidelines, 2015. Collection method: clinical testing. Allele origin: germline.